The following is an entry in ClinVar:

ClinVar aggregate classification (germline): Likely pathogenic (1 of 4 stars; one submission).

Conditions:
Encephalopathy due to GLUT1 deficiency. Also called: GLUCOSE TRANSPORT DEFECT, BLOOD-BRAIN BARRIER; De Vivo disease; Glucose transporter protein syndrome; GLUT1 deficiency syndrome 1; GLUT1 deficiency syndrome 1, infantile onset, severe; Classic Glucose Transporter Type 1 Deficiency Syndrome. Identifiers: Orphanet 71277, MedGen C4551966, MONDO:0011724, OMIM 606777.

Submission:

Unidad de Genómica Garrahan, Hospital de Pediatría Garrahan
Classification: Likely pathogenic for Encephalopathy due to GLUT1 deficiency. Last evaluated: 2025-06-12. Review status: criteria provided, single submitter. Criteria: ACMG Guidelines, 2015. Collection method: clinical testing. Allele origin: unknown. Affected: yes. Observed: 1 variant allele.
Comment: PP2_Supporting, PM2_Moderate, PP3_Moderate, PM5_Moderate, PS4_Supporting, PS3_Supporting

Literature cited by the submitters: PubMed 26615598; PubMed 16172126; PubMed 9335548.

NM_006516.4(SLC2A1):c.438A>C (p.Glu146Asp)

Gene: SLC2A1 (solute carrier family 2 member 1; minus strand). Cytogenetic location: 1p34.2.
Variant type: single nucleotide variant.
Coding change: c.438A>C on transcript NM_006516.4 (MANE Select); coding-DNA position 438, A replaced by C.
Protein change: p.Glu146Asp; replaces glutamic acid 146 with aspartic acid.
Molecular consequence: missense variant.
Genome position (GRCh38, 1-based): chr1:42,930,704, T>G on the plus strand (A>C on the coding strand, the complement: SLC2A1 is on the minus strand). VCF-style: chr1-42930704-T-G. GRCh37 (hg19) VCF-style: chr1-43396375-T-G.
Other names: short protein forms E146D.
Identifiers: ClinVar variation 4057314 (VCV004057314.1).